The following is an entry in ClinVar:

ClinVar aggregate classification (germline): Pathogenic (1 of 4 stars; one submission).

Conditions:
Hereditary cancer-predisposing syndrome. Also called: Tumor predisposition; Hereditary neoplastic syndrome; Hereditary Cancer Syndrome; Neoplastic Syndromes, Hereditary. Identifiers: Orphanet 140162, MedGen C0027672, MeSH D009386, MONDO:0015356.

Submission:

Ambry Genetics
Classification: Pathogenic for Hereditary cancer-predisposing syndrome. Last evaluated: 2023-10-06. Review status: criteria provided, single submitter. Criteria: Ambry Variant Classification Scheme 2023. Collection method: clinical testing. Allele origin: germline.
Comment: The c.289_302del14 pathogenic mutation, located in coding exon 3 of the SDHD gene, results from a deletion of 14 nucleotides at nucleotide positions 289 to 302, causing a translational frameshift with a predicted alternate stop codon (p.A97Sfs*12). This alteration occurs at the 3' terminus of theSDHD gene, is not expected to trigger nonsense-mediated mRNA decay, and impacts the last 63 amino acids of the protein. However, premature stop codons are typically deleterious in nature and a significant portion of the protein is affected and the impacted region is critical for protein function (Ambry internal data). This variant is considered to be rare based on population cohorts in the Genome Aggregation Database (gnomAD). Based on the supporting evidence, this alteration is interpreted as a disease-causing mutation

NM_003002.4(SDHD):c.289_302del (p.Ala97fs)

Gene: SDHD (succinate dehydrogenase complex subunit D; plus strand). Cytogenetic location: 11q23.1.
Variant type: Deletion.
Coding change: c.289_302del on transcript NM_003002.4 (MANE Select); coding-DNA positions 289 to 302, 14 bases deleted (GCAGCCCTCACTCT).
Protein change: p.Ala97fs; shifts the reading frame from alanine 97.
Molecular consequence: frameshift variant. On other transcripts: non-coding transcript variant (1), intron variant (1).
Genome position (GRCh38, 1-based): chr11:112,088,986-112,088,999, GCAGCCCTCACTCT deleted; deleting any 14 consecutive bases within chr11:112,088,984-112,088,999 gives the same sequence; the c. name uses the placement nearest the transcript's 3' end. VCF-style (leftmost placement, unchanged base first): chr11-112088983-GCTGCAGCCCTCACT-G. GRCh37 (hg19) VCF-style: chr11-111959707-GCTGCAGCCCTCACT-G.
Other names: c.172_185del, p.Ala58fs (NM_001276504.2); c.289_302del, p.Ala97fs (NM_001276506.2); c.169+1013_169+1026del (NM_001276503.2); short protein forms A58fs, A97fs.
Identifiers: ClinVar variation 3223039 (VCV003223039.1), dbSNP rs2498905415, ClinGen allele CA2825001995.
Genomic context (GRCh38, chr11:112,088,983, plus strand): 5'-CTCCTGGGTCTGCTTCCGGCTGCTTATTTGAATCCTTGCTCTGCGATGGACTATTCCCTG[GCTGCAGCCCTCACT>G]CTTCATGGTCACTGGCAAGTATAGCAATTCCAAATATAGTTGTCTGCTCAGTTTGTTTGC-3'